The following is an entry in ClinVar:

ClinVar aggregate classification (germline): Uncertain significance (1 of 4 stars; one submission).

Allele frequency attached by ClinVar (database versions not stated): gnomAD exomes below 0.00001.
gnomAD v4.1: 1 of 1,613,466 alleles (0.000062%); highest among the groups gnomAD compares: Non-Finnish European, 0.000085%; no homozygotes.

Submission:

Labcorp Genetics (formerly Invitae), Labcorp
Classification: Uncertain significance. Last evaluated: 2022-03-11. Review status: criteria provided, single submitter. Criteria: Invitae Variant Classification Sherloc (09022015). Collection method: clinical testing. Allele origin: germline.
Comment: Algorithms developed to predict the effect of missense changes on protein structure and function are either unavailable or do not agree on the potential impact of this missense change (SIFT: "Tolerated"; PolyPhen-2: "Probably Damaging"; Align-GVGD: "Class C0"). This variant has not been reported in the literature in individuals affected with PMP2-related conditions. This variant is not present in population databases (gnomAD no frequency). This sequence change replaces arginine, which is basic and polar, with lysine, which is basic and polar, at codon 31 of the PMP2 protein (p.Arg31Lys). In summary, the available evidence is currently insufficient to determine the role of this variant in disease. Therefore, it has been classified as a Variant of Uncertain Significance.

NM_002677.5(PMP2):c.92G>A (p.Arg31Lys)

Gene: PMP2 (peripheral myelin protein 2; minus strand). Cytogenetic location: 8q21.13.
Variant type: single nucleotide variant.
Coding change: c.92G>A on transcript NM_002677.5 (MANE Select); coding-DNA position 92, G replaced by A.
Protein change: p.Arg31Lys; replaces arginine 31 with lysine.
Molecular consequence: missense variant. On other transcripts: intron variant (1).
Genome position (GRCh38, 1-based): chr8:81,444,971, C>T on the plus strand (G>A on the coding strand, the complement: PMP2 is on the minus strand). VCF-style: chr8-81444971-C-T. GRCh37 (hg19) VCF-style: chr8-82357206-C-T.
Other names: c.74-370G>A (NM_001348381.2); short protein forms R31K.
Identifiers: ClinVar variation 1989686 (VCV001989686.4), dbSNP rs1807422726, ClinGen allele CA371518372.